The following is an entry in ClinVar:

ClinVar aggregate classification (germline): Uncertain significance (1 of 4 stars; one submission).

Allele frequency attached by ClinVar (database versions not stated): gnomAD 0.00002; TOPMed 0.00002; gnomAD exomes 0.00007; ExAC 0.00014; 1000 Genomes Project 30x 0.00016.
gnomAD v4.1: 108 of 1,614,066 alleles (0.0067%); highest among the groups gnomAD compares: South Asian, 0.11%; 1 homozygote.

Submission:

CeGaT Center for Human Genetics Tuebingen
Classification: Uncertain significance. Last evaluated: 2023-12-01. Review status: criteria provided, single submitter. Criteria: CeGaT Center For Human Genetics Tuebingen Variant Classification Criteria Version 2. Collection method: clinical testing. Allele origin: germline. Affected: yes. Observed: 1 variant allele.
Comment: DENND5A: PM2

NM_015213.4(DENND5A):c.995T>C (p.Met332Thr)

Gene: DENND5A (DENN domain containing 5A; minus strand). Cytogenetic location: 11p15.4.
Variant type: single nucleotide variant.
Coding change: c.995T>C on transcript NM_015213.4 (MANE Select); coding-DNA position 995, T replaced by C.
Protein change: p.Met332Thr; replaces methionine 332 with threonine.
Molecular consequence: missense variant. On other transcripts: non-coding transcript variant (1).
Genome position (GRCh38, 1-based): chr11:9,193,636, A>G on the plus strand (T>C on the coding strand, the complement: DENND5A is on the minus strand). VCF-style: chr11-9193636-A-G. GRCh37 (hg19) VCF-style: chr11-9215183-A-G.
Other names: c.995T>C, p.Met332Thr (NM_001243254.2, NM_001348748.1); c.923T>C, p.Met308Thr (NM_001348749.2); c.707T>C, p.Met236Thr (NM_001348750.2); short protein forms M236T, M308T, M332T.
Identifiers: ClinVar variation 3026034 (VCV003026034.22), dbSNP rs577172428, ClinGen allele CA5877696.